The following is an entry in ClinVar:

NM_183381.3(RNF13):c.661G>T (p.Asp221Tyr)

Gene: RNF13 (ring finger protein 13; plus strand). Cytogenetic location: 3q25.1.
Variant type: single nucleotide variant.
Coding change: c.661G>T on transcript NM_183381.3 (MANE Select); coding-DNA position 661, G replaced by T.
Protein change: p.Asp221Tyr; replaces aspartic acid 221 with tyrosine.
Molecular consequence: missense variant. On other transcripts: non-coding transcript variant (1).
Genome position (GRCh38, 1-based): chr3:149,921,188, G>T. VCF-style: chr3-149921188-G-T. GRCh37 (hg19) VCF-style: chr3-149638975-G-T.
Other names: c.661G>T, p.Asp221Tyr (NM_001378285.1, NM_001378286.1, NM_007282.4); c.304G>T, p.Asp102Tyr (NM_001378287.1, NM_001378288.1, NM_001378289.1 and 2 more transcripts); c.268G>T, p.Asp90Tyr (NM_001378291.1); short protein forms D102Y, D90Y, D221Y.
Identifiers: ClinVar variation 4087831 (VCV004087831.1).
Genomic context (GRCh38, chr3:149,921,188, plus strand): 5'-TTTTAGATCACAAAATTTGTCCAGGATAGACATAGAGCTAGAAGAAACAGACTTCGTAAA[G>T]ATCAACTTAAGAAACTTCCTGTACATAAATTCAAGAAAGGTAAGTATTTGTTTTCTAAAT-3'
Protein context (NP_899237.1, residues 211-231): HRARRNRLRK[Asp221Tyr]QLKKLPVHKF

ClinVar aggregate classification (germline): Uncertain significance (1 of 4 stars; one submission).

Submission:

GeneDx
Classification: Uncertain significance. Last evaluated: 2025-03-27. Review status: criteria provided, single submitter. Criteria: GeneDx Variant Classification Process June 2021. Collection method: clinical testing. Allele origin: germline. Affected: yes.
Comment: Not observed at significant frequency in large population cohorts (gnomAD); In silico analysis supports that this missense variant has a deleterious effect on protein structure/function; Has not been previously published as pathogenic or benign to our knowledge